The following is an entry in ClinVar:

NM_138927.4(SON):c.320dup (p.Ser108fs)

Gene: SON (SON DNA and RNA binding protein; plus strand). Cytogenetic location: 21q22.11.
Variant type: Duplication.
Coding change: c.320dup on transcript NM_138927.4 (MANE Select); coding-DNA position 320, one base duplicated (A; older notation c.320dupA).
Protein change: p.Ser108fs; shifts the reading frame from serine 108.
Molecular consequence: frameshift variant. On other transcripts: non-coding transcript variant (1), intron variant (1).
Genome position (GRCh38, 1-based): chr21:33,549,551, A duplicated; the last of 5 consecutive A bases (chr21:33,549,547-33,549,551); duplicating any one gives the same sequence. VCF-style (leftmost placement, unchanged base first): chr21-33549546-T-TA. GRCh37 (hg19) VCF-style: chr21-34921852-T-TA.
Other names: c.320dup, p.Ser108fs (NM_001291411.2, NM_032195.3); c.320dup, p.Ser108Valfs (NM_001412133.1, NM_058183.2, NM_138926.1); c.244+3172dup (NM_001291412.3); short protein forms S108fs.
Identifiers: ClinVar variation 2585515 (VCV002585515.1), dbSNP rs2517344412, ClinGen allele CA2582342728.

ClinVar aggregate classification (germline): Likely pathogenic (1 of 4 stars; one submission).

Conditions:
ZTTK syndrome (ZTTKS). Also called: ZTTK MULTIPLE CONGENITAL ANOMALIES-MENTAL RETARDATION SYNDROME; Zhu-Tokita-Takenouchi-Kim Syndrome. Identifiers: Orphanet 500150, MedGen C4310696, MONDO:0014936, OMIM 617140.

Submission:

Neuberg Centre For Genomic Medicine, NCGM
Classification: Likely pathogenic for ZTTK syndrome. Review status: criteria provided, single submitter. Criteria: ACMG Guidelines, 2015. Collection method: clinical testing. Allele origin: germline. Inheritance: Autosomal dominant inheritance. Affected: yes.
Comment: The frameshift c.320dup (p.Ser108ValfsTer5) in SON gene has not been reported previously as a pathogenic variant nor as a benign variant, to our knowledge. The p.Ser108ValfsTer5 variant is novel (not in any individuals) in gnomAD Exomes and 1000 Genomes. This variant is predicted to cause loss of normal protein function through protein truncation. Loss of function variants have been previously reported to be disease causing. For these reasons, this variant has been classified as Likely Pathogenic.